The following is an entry in ClinVar:

NM_001360.3(DHCR7):c.970T>C (p.Tyr324His)

Gene: DHCR7 (7-dehydrocholesterol reductase; minus strand). Cytogenetic location: 11q13.4.
Variant type: single nucleotide variant.
Coding change: c.970T>C on transcript NM_001360.3 (MANE Select); coding-DNA position 970, T replaced by C.
Protein change: p.Tyr324His; replaces tyrosine 324 with histidine.
Molecular consequence: missense variant.
Genome position (GRCh38, 1-based): chr11:71,435,833, A>G on the plus strand (T>C on the coding strand, the complement: DHCR7 is on the minus strand). VCF-style: chr11-71435833-A-G. GRCh37 (hg19) VCF-style: chr11-71146879-A-G.
Other names: c.970T>C, p.Tyr324His (NM_001163817.2); short protein forms Y324H.
Identifiers: ClinVar variation 458678 (VCV000458678.16), dbSNP rs1173707321, ClinGen allele CA381702573.
Genomic context (GRCh38, chr11:71,435,833, plus strand): 5'-CCAGCAGCAGGACGCCCACGGCGTGCGGGGTGGACAGCTGCACGGGGTGGTACACCAAGT[A>G]CAGACCCTGGGGGGCGAGGGGGAAGGGGTCAAGCGGTGCTTTGCCCAGGGAGAGGACAGG-3'
Protein context (NP_001351.2, residues 314-334): LPYLYTLQGL[Tyr324His]LVYHPVQLST

ClinVar aggregate classification (germline): Pathogenic/Likely pathogenic. Review status: criteria provided, multiple submitters, no conflicts (2 of 4 stars). 5 submissions from 5 submitters: Pathogenic (1); Likely pathogenic (3). 1 of the submissions does not count toward it. Last evaluated 2024-12-23.

Conditions:
Smith-Lemli-Opitz syndrome (SLOS). Also called: 7-Dehydrocholesterol reductase deficiency; LETHAL ACRODYSGENITAL SYNDROME; POLYDACTYLY, SEX REVERSAL, RENAL HYPOPLASIA, AND UNILOBAR LUNG; RSH SYNDROME; RUTLEDGE LETHAL MULTIPLE CONGENITAL ANOMALY SYNDROME. Identifiers: Orphanet 818, MedGen C0175694, MONDO:0010035, OMIM 270400.

Allele frequency attached by ClinVar (database versions not stated): gnomAD exomes below 0.00001.
gnomAD v4.1: 5 of 1,602,810 alleles (0.00031%); highest among the groups gnomAD compares: African/African-American, 0.0013%; no homozygotes.

Submissions (5):

Natera, Inc.
Classification: Likely pathogenic for Smith-Lemli-Opitz syndrome. Last evaluated: 2024-12-23. Review status: criteria provided, single submitter. Criteria: Natera Variant Classification Schema (03/2026). Collection method: clinical testing. Allele origin: germline.
Comment: The c.970T>C variant in DHCR7 is a missense variant predicted to cause substitution of tyrosine to histidine at amino acid 324. This variant is rare in the general population with a frequency below the threshold expected for the associated phenotype(s). This variant has been observed in one or more individuals affected with the associated recessive disease, as either homozygous or compound heterozygous with a second variant (PMID: 10814720, 22438180). Computational prediction algorithms indicate this variant is likely to affect gene or protein function. Given the available evidence, this variant is classified as Likely Pathogenic.

Labcorp Genetics (formerly Invitae), Labcorp
Classification: Pathogenic for Smith-Lemli-Opitz syndrome. Last evaluated: 2024-11-11. Review status: criteria provided, single submitter. Criteria: Invitae Variant Classification Sherloc (09022015). Collection method: clinical testing. Allele origin: germline.
Comment: This sequence change replaces tyrosine, which is neutral and polar, with histidine, which is basic and polar, at codon 324 of the DHCR7 protein (p.Tyr324His). This variant is present in population databases (no rsID available, gnomAD 0.007%). This missense change has been observed in individual(s) with Smith-Lemli-Opitz syndrome (SLOS) (PMID: 10677299). ClinVar contains an entry for this variant (Variation ID: 458678). Invitae Evidence Modeling of protein sequence and biophysical properties (such as structural, functional, and spatial information, amino acid conservation, physicochemical variation, residue mobility, and thermodynamic stability) indicates that this missense variant is expected to disrupt DHCR7 protein function with a positive predictive value of 95%. For these reasons, this variant has been classified as Pathogenic.

Fulgent Genetics
Classification: Likely pathogenic for Smith-Lemli-Opitz syndrome. Last evaluated: 2024-03-18. Review status: criteria provided, single submitter. Criteria: ACMG Guidelines, 2015. Collection method: clinical testing. Allele origin: germline.

Greenwood Genetic Center Diagnostic Laboratories, Greenwood Genetic Center
Classification: Likely pathogenic. Last evaluated: 2020-08-25. Review status: criteria provided, single submitter. Criteria: ACMG Guidelines, 2015. Collection method: clinical testing. Allele origin: germline. Affected: yes.

Counsyl
Classification: Uncertain significance for Smith-Lemli-Opitz syndrome. Last evaluated: 2017-09-12. Review status: no assertion criteria provided. Collection method: clinical testing. Allele origin: unknown. Not counted in ClinVar's aggregate classification.

Literature cited by the submitters: PubMed 10814720 (cited by Natera, Inc. and Counsyl); PubMed 22438180 (cited by Natera, Inc. and Counsyl); PubMed 10677299 (cited by Labcorp Genetics (formerly Invitae), Labcorp and Counsyl).